The following is an entry in ClinVar:

NM_000203.5(IDUA):c.1228A>C (p.Thr410Pro)

Gene: IDUA (alpha-L-iduronidase; plus strand). Cytogenetic location: 4p16.3.
Variant type: single nucleotide variant.
Coding change: c.1228A>C on transcript NM_000203.5 (MANE Select); coding-DNA position 1228, A replaced by C.
Protein change: p.Thr410Pro; replaces threonine 410 with proline.
Molecular consequence: missense variant. On other transcripts: non-coding transcript variant (1).
Genome position (GRCh38, 1-based): chr4:1,002,770, A>C. VCF-style: chr4-1002770-A-C. GRCh37 (hg19) VCF-style: chr4-996558-A-C.
Other names: c.832A>C, p.Thr278Pro (NM_001363576.1); short protein forms T278P, T410P.
Identifiers: ClinVar variation 2904670 (VCV002904670.4), dbSNP rs978350437, ClinGen allele CA91169931.
Genomic context (GRCh38, chr4:1,002,770, plus strand): 5'-ACGGCCCCCCCCCGCCCCGCAGATGAGGAGCAGCTCTGGGCCGAAGTGTCGCAGGCCGGG[A>C]CCGTCCTGGACAGCAACCACACGGTGGGCGTCCTGGCCAGCGCCCACCGCCCCCAGGGCC-3'
Protein context (NP_000194.2, residues 400-420): QLWAEVSQAG[Thr410Pro]VLDSNHTVGV

ClinVar aggregate classification (germline): Uncertain significance. Review status: criteria provided, multiple submitters, no conflicts (2 of 4 stars). 2 submissions from 2 submitters: Uncertain significance (2). Last evaluated 2025-08-06.

Conditions:
Mucopolysaccharidosis type 1. Also called: Mucopolysaccharidosis Type I; IDUA deficiency; MPS I. Identifiers: Orphanet 579, MedGen C0023786, MONDO:0001586.

Allele frequency attached by ClinVar (database versions not stated): gnomAD exomes below 0.00001; gnomAD 0.00003.
gnomAD v4.1: 8 of 1,467,334 alleles (0.00055%); highest among the groups gnomAD compares: African/African-American, 0.009%; no homozygotes.

Submissions (2):

Revvity Omics, Revvity
Classification: Uncertain significance. Last evaluated: 2025-08-06. Review status: criteria provided, single submitter. Criteria: ACMG Guidelines, 2015. Collection method: clinical testing. Allele origin: germline.

Labcorp Genetics (formerly Invitae), Labcorp
Classification: Uncertain significance for Mucopolysaccharidosis type 1. Last evaluated: 2023-12-19. Review status: criteria provided, single submitter. Criteria: Invitae Variant Classification Sherloc (09022015). Collection method: clinical testing. Allele origin: germline.
Comment: This sequence change replaces threonine, which is neutral and polar, with proline, which is neutral and non-polar, at codon 410 of the IDUA protein (p.Thr410Pro). This variant is not present in population databases (gnomAD no frequency). This variant has not been reported in the literature in individuals affected with IDUA-related conditions. Advanced modeling of protein sequence and biophysical properties (such as structural, functional, and spatial information, amino acid conservation, physicochemical variation, residue mobility, and thermodynamic stability) performed at Invitae indicates that this missense variant is not expected to disrupt IDUA protein function with a negative predictive value of 95%. In summary, the available evidence is currently insufficient to determine the role of this variant in disease. Therefore, it has been classified as a Variant of Uncertain Significance.